The following is an entry in ClinVar:

NM_000384.3(APOB):c.7275G>A (p.Lys2425=)

Gene: APOB (apolipoprotein B; minus strand). Cytogenetic location: 2p24.1.
Variant type: single nucleotide variant.
Coding change: c.7275G>A on transcript NM_000384.3 (MANE Select); coding-DNA position 7275, G replaced by A.
Protein change: p.Lys2425=; no amino-acid change (lysine 2425 retained).
Molecular consequence: synonymous variant.
Genome position (GRCh38, 1-based): chr2:21,009,593, C>T on the plus strand (G>A on the coding strand, the complement: APOB is on the minus strand). VCF-style: chr2-21009593-C-T. GRCh37 (hg19) VCF-style: chr2-21232465-C-T.
Identifiers: ClinVar variation 4076999 (VCV004076999.1).

ClinVar aggregate classification (germline): Likely benign (1 of 4 stars; one submission).

Conditions:
Familial hypercholesterolemia. Also called: Familial hypercholesterolaemia. Identifiers: MedGen C0020445, MONDO:0005439.

Submission:

GENinCode PLC
Classification: Likely benign for Familial hypercholesterolemia. Last evaluated: 2025-02-12. Review status: criteria provided, single submitter. Criteria: ACMG Guidelines, 2015. Collection method: clinical testing. Allele origin: germline.
Comment: This is a synonymous (silent) variant that is not predicted to impact splicing and occurs at a nucleotide which is not highly conserved. This variant has been classified as Likely Benign (BP4, BP7).